The following is an entry in ClinVar:

ClinVar aggregate classification (germline): Likely pathogenic (1 of 4 stars; one submission).

Conditions:
Dilated cardiomyopathy 1G (CMD1G). Identifiers: Orphanet 154, MedGen C1858763, MONDO:0011400, OMIM 604145.
Autosomal recessive limb-girdle muscular dystrophy type 2J (LGMDR10). Also called: Limb-girdle muscular dystrophy, type 2J; MUSCULAR DYSTROPHY, LIMB-GIRDLE, AUTOSOMAL RECESSIVE 10. Identifiers: Orphanet 140922, MedGen C1837342, MONDO:0012127, OMIM 608807.

Submission:

Labcorp Genetics (formerly Invitae), Labcorp
Classification: Likely pathogenic for Dilated cardiomyopathy 1G; Autosomal recessive limb-girdle muscular dystrophy type 2J. Last evaluated: 2024-10-18. Review status: criteria provided, single submitter. Criteria: Invitae Variant Classification Sherloc (09022015). Collection method: clinical testing. Allele origin: germline.
Comment: This sequence change creates a premature translational stop signal (p.Ala14868Glufs*6) in the TTN gene. While this is not anticipated to result in nonsense mediated decay, it is expected to create a truncated TTN protein. This variant is not present in population databases (gnomAD no frequency). This variant has not been reported in the literature in individuals affected with TTN-related conditions. This variant is located in the I band of TTN (PMID: 25589632). Truncating variants in this region have been reported in individuals affected with autosomal recessive centronuclear myopathy (PMID: 23975875, internal data). Truncating variants in this region have also been identified in individuals affected with autosomal dominant dilated cardiomyopathy and/or cardio-related conditions (PMID: 27869827, 32964742, internal data). In summary, the currently available evidence indicates that the variant is pathogenic, but additional data are needed to prove that conclusively. Therefore, this variant has been classified as Likely Pathogenic.

Literature cited by the submitters: PubMed 25589632; PubMed 23975875; PubMed 27869827; PubMed 32964742.

NM_001267550.2(TTN):c.44603_44633del (p.Ala14868fs)

Gene: TTN (titin; minus strand). Cytogenetic location: 2q31.2.
Variant type: Deletion.
Coding change: c.44603_44633del on transcript NM_001267550.2 (MANE Select); coding-DNA positions 44603 to 44633, 31 bases deleted.
Protein change: p.Ala14868fs; shifts the reading frame from alanine 14868.
Molecular consequence: frameshift variant.
Genome position (GRCh38, 1-based): chr2:178,624,647-178,624,677, 31 bases deleted; deleting any 31 consecutive bases within chr2:178,624,647-178,624,679 gives the same sequence; the c. name uses the placement nearest the transcript's 3' end. GRCh37 (hg19): chr2:179,489,376-179,489,406.
Other names: c.39680_39710del, p.Ala13227fs (NM_001256850.1); c.17408_17438del, p.Ala5803fs (NM_003319.4); c.36899_36929del, p.Ala12300fs (NM_133378.4); c.17783_17813del, p.Ala5928fs (NM_133432.3); c.17984_18014del, p.Ala5995fs (NM_133437.4); short protein forms A5803fs, A12300fs, A13227fs, A14868fs, A5928fs, A5995fs.
Identifiers: ClinVar variation 2941324 (VCV002941324.3), dbSNP rs2471167931, ClinGen allele CA2740095923.